The following is an entry in ClinVar:

NM_001282531.3(ADNP):c.2810A>T (p.Glu937Val)

Gene: ADNP (activity dependent neuroprotector homeobox; minus strand). Cytogenetic location: 20q13.13.
Variant type: single nucleotide variant.
Coding change: c.2810A>T on transcript NM_001282531.3 (MANE Select); coding-DNA position 2810, A replaced by T.
Protein change: p.Glu937Val; replaces glutamic acid 937 with valine.
Molecular consequence: missense variant.
Genome position (GRCh38, 1-based): chr20:50,891,904, T>A on the plus strand (A>T on the coding strand, the complement: ADNP is on the minus strand). VCF-style: chr20-50891904-T-A. GRCh37 (hg19) VCF-style: chr20-49508441-T-A.
Other names: c.2810A>T, p.Glu937Val (NM_001282532.2, NM_001347511.2, NM_015339.5 and 1 more transcripts); short protein forms E937V.
Identifiers: ClinVar variation 2876060 (VCV002876060.3), dbSNP rs373951274, ClinGen allele CA9908516.
Genomic context (GRCh38, chr20:50,891,904, plus strand): 5'-ACCTCACTATCAGATGCATTGTGCATTAGTTTGGTTGGTTCCTCAGTCAAATGAATAGTT[T>A]CGTATTTTGAACCATCCTCTTTTTGGTCTAGCTTCTCCTCAGATTCTGAAGCATCCTCAG-3'
Protein context (NP_001269460.1, residues 927-947): LDQKEDGSKY[Glu937Val]TIHLTEEPTK

ClinVar aggregate classification (germline): Uncertain significance (1 of 4 stars; one submission).

Allele frequency attached by ClinVar (database versions not stated): gnomAD exomes below 0.00001; ExAC 0.00001; gnomAD 0.00001; TOPMed 0.00002; ESP Exome Variant Server 0.00015.
gnomAD v4.1: 4 of 1,614,114 alleles (0.00025%); highest among the groups gnomAD compares: African/African-American, 0.004%; no homozygotes.

Submission:

Labcorp Genetics (formerly Invitae), Labcorp
Classification: Uncertain significance. Last evaluated: 2023-03-20. Review status: criteria provided, single submitter. Criteria: Invitae Variant Classification Sherloc (09022015). Collection method: clinical testing. Allele origin: germline.
Comment: In summary, the available evidence is currently insufficient to determine the role of this variant in disease. Therefore, it has been classified as a Variant of Uncertain Significance. This sequence change replaces glutamic acid, which is acidic and polar, with valine, which is neutral and non-polar, at codon 937 of the ADNP protein (p.Glu937Val). This variant is present in population databases (rs373951274, gnomAD 0.01%). This variant has not been reported in the literature in individuals affected with ADNP-related conditions. An algorithm developed to predict the effect of missense changes on protein structure and function (PolyPhen-2) suggests that this variant is likely to be tolerated.